The following is an entry in ClinVar:

NM_139057.4(ADAMTS17):c.2994G>C (p.Gln998His)

Gene: ADAMTS17 (ADAM metallopeptidase with thrombospondin type 1 motif 17; minus strand). Cytogenetic location: 15q26.3.
Variant type: single nucleotide variant.
Coding change: c.2994G>C on transcript NM_139057.4 (MANE Select); coding-DNA position 2994, G replaced by C.
Protein change: p.Gln998His; replaces glutamine 998 with histidine.
Molecular consequence: missense variant.
Genome position (GRCh38, 1-based): chr15:99,976,178, C>G on the plus strand (G>C on the coding strand, the complement: ADAMTS17 is on the minus strand). VCF-style: chr15-99976178-C-G. GRCh37 (hg19) VCF-style: chr15-100516383-C-G.
Other names: short protein forms Q998H.
Identifiers: ClinVar variation 4771079 (VCV004771079.1).

ClinVar aggregate classification (germline): Uncertain significance (1 of 4 stars; one submission).

gnomAD v4.1: 1 of 1,549,964 alleles (0.000065%); highest among the groups gnomAD compares: Non-Finnish European, 0.000087%; no homozygotes.

Submission:

Labcorp Genetics (formerly Invitae), Labcorp
Classification: Uncertain significance. Last evaluated: 2025-04-11. Review status: criteria provided, single submitter. Criteria: Invitae Variant Classification Sherloc (09022015). Collection method: clinical testing. Allele origin: germline.
Comment: This sequence change replaces glutamine, which is neutral and polar, with histidine, which is basic and polar, at codon 998 of the ADAMTS17 protein (p.Gln998His). This variant is not present in population databases (gnomAD no frequency). This variant has not been reported in the literature in individuals affected with ADAMTS17-related conditions. An algorithm developed to predict the effect of missense changes on protein structure and function (PolyPhen-2) suggests that this variant is likely to be disruptive. In summary, the available evidence is currently insufficient to determine the role of this variant in disease. Therefore, it has been classified as a Variant of Uncertain Significance.